The following is an entry in ClinVar:

ClinVar aggregate classification (germline): Likely pathogenic (1 of 4 stars; one submission).

Conditions:
RYR1-related disorder. Also called: RYR1-related condition; RYR1-related disorders. Identifiers: MedGen CN239331.

Submission:

Labcorp Genetics (formerly Invitae), Labcorp
Classification: Likely pathogenic for RYR1-related disorder. Last evaluated: 2025-06-02. Review status: criteria provided, single submitter. Criteria: Invitae Variant Classification Sherloc (09022015). Collection method: clinical testing. Allele origin: germline.
Comment: This variant, c.14401_14403dup, results in the insertion of 1 amino acid(s) of the RYR1 protein (p.Leu4802dup), but otherwise preserves the integrity of the reading frame. This variant is not present in population databases (gnomAD no frequency). This variant has been observed in individual(s) with clinical features of central core disease (internal data). In at least one individual the variant was observed to be de novo. In summary, the currently available evidence indicates that the variant is pathogenic, but additional data are needed to prove that conclusively. Therefore, this variant has been classified as Likely Pathogenic.

NM_000540.3(RYR1):c.14401_14403dup (p.Leu4802_Gly4803insLeu)

Gene: RYR1 (ryanodine receptor 1; plus strand). Cytogenetic location: 19q13.2.
Variant type: Duplication.
Coding change: c.14401_14403dup on transcript NM_000540.3 (MANE Select); coding-DNA positions 14401 to 14403, 3 bases duplicated (CTC; older notation c.14401_14403dupCTC).
Protein change: p.Leu4802_Gly4803insLeu.
Molecular consequence: inframe insertion.
Genome position (GRCh38, 1-based): chr19:38,580,018-38,580,020, CTC duplicated; duplicating any 3 consecutive bases within chr19:38,580,017-38,580,020 gives the same sequence; the c. name uses the placement nearest the transcript's 3' end. VCF-style (leftmost placement, unchanged base first): chr19-38580016-C-CCCT. GRCh37 (hg19) VCF-style: chr19-39070656-C-CCCT.
Other names: c.14386_14388dup, p.Leu4797_Gly4798insLeu (NM_001042723.2).
Identifiers: ClinVar variation 4717484 (VCV004717484.1).